The following is an entry in ClinVar:

NM_001447.3(FAT2):c.4263G>A (p.Glu1421=)

Genes: FAT2 (FAT atypical cadherin 2; minus strand), SLC36A1 (solute carrier family 36 member 1; plus strand). Cytogenetic location: 5q33.1.
Variant type: single nucleotide variant.
Coding change: c.4263G>A on transcript NM_001447.3 (MANE Select); coding-DNA position 4263, G replaced by A.
Protein change: p.Glu1421=; no amino-acid change (glutamic acid 1421 retained).
Molecular consequence: synonymous variant.
Genome position (GRCh38, 1-based): chr5:151,551,500, C>T on the plus strand (G>A on the coding strand, the complement: FAT2 is on the minus strand). VCF-style: chr5-151551500-C-T. GRCh37 (hg19) VCF-style: chr5-150931061-C-T.
Identifiers: ClinVar variation 4822274 (VCV004822274.5).
Genomic context (GRCh38, chr5:151,551,500, plus strand): 5'-CAGGGGTCCCCAGCCGAGGCCTCTAACCTGTGTGGCAATGGTGCGGGACCCATCTGTCAC[C>T]TCAACAGTCAAGTTATAGTTCGACCTTCTCCTGGTATCAAGAGGCCTGGCAATGACGATG-3'
Protein context (NP_001438.1, residues 1411-1431): RRRSNYNLTV[Glu1421=]VTDGSRTIAT

ClinVar aggregate classification (germline): Likely benign. Review status: criteria provided, multiple submitters, no conflicts (2 of 4 stars). 2 submissions from 2 submitters: Likely benign (2). Last evaluated 2026-01-01.

gnomAD v4.1: 86 of 1,614,114 alleles (0.0053%); highest among the groups gnomAD compares: Non-Finnish European, 0.0069%; no homozygotes.

Submissions (2):

CeGaT Center for Human Genetics Tuebingen
Classification: Likely benign. Last evaluated: 2026-01-01. Review status: criteria provided, single submitter. Criteria: CeGaT Center For Human Genetics Tuebingen Variant Classification Criteria Version 2. Collection method: clinical testing. Allele origin: germline. Affected: yes. Observed: 1 variant allele.
Comment: FAT2: BP4, BP7

Blueprint Genetics
Classification: Likely benign. Last evaluated: 2024-09-06. Review status: criteria provided, single submitter. Criteria: ACMG Guidelines, 2015. Collection method: clinical testing. Allele origin: germline.